The following is an entry in ClinVar:

ClinVar aggregate classification (germline): Conflicting classifications of pathogenicity. Review status: criteria provided, conflicting classifications (1 of 4 stars). 4 submissions from 4 submitters: Uncertain significance (2); Benign (1); Likely benign (1). Last evaluated 2025-12-28.

Conditions:
Familial thoracic aortic aneurysm and aortic dissection (TAAD). Also called: Thoracic aortic aneurysms and dissections. Identifiers: Orphanet 91387, MedGen C4707243, MONDO:0019625.
Congenital contractural arachnodactyly (CCA). Also called: Beals-Hecht syndrome; BEALS SYNDROME; Arthrogryposis, distal, type 9. Identifiers: Orphanet 115, MedGen C0220668, MONDO:0007363, OMIM 121050.

Allele frequency attached by ClinVar (database versions not stated): gnomAD exomes 0.00004 and 0.00008; TOPMed 0.00006; gnomAD 0.00007; ESP Exome Variant Server 0.00008; ExAC 0.00011.
gnomAD v4.1: 73 of 1,613,938 alleles (0.0045%); highest among the groups gnomAD compares: Non-Finnish European, 0.0057%; no homozygotes.

Submissions (4):

Labcorp Genetics (formerly Invitae), Labcorp
Classification: Benign for Congenital contractural arachnodactyly. Last evaluated: 2025-12-28. Review status: criteria provided, single submitter. Criteria: Invitae Variant Classification Sherloc (09022015). Collection method: clinical testing. Allele origin: germline.

Ambry Genetics
Classification: Uncertain significance for Familial thoracic aortic aneurysm and aortic dissection. Last evaluated: 2025-09-25. Review status: criteria provided, single submitter. Criteria: Ambry Variant Classification Scheme 2023. Collection method: clinical testing. Allele origin: germline.
Comment: The p.R827Q variant (also known as c.2480G>A), located in coding exon 19 of the FBN2 gene, results from a G to A substitution at nucleotide position 2480. The arginine at codon 827 is replaced by glutamine, an amino acid with highly similar properties. This amino acid position is highly conserved in available vertebrate species. In addition, the in silico prediction for this alteration is inconclusive. Based on the available evidence, the clinical significance of this variant remains unclear.

GeneDx
Classification: Uncertain significance. Last evaluated: 2025-07-21. Review status: criteria provided, single submitter. Criteria: GeneDx Variant Classification Process June 2021. Collection method: clinical testing. Allele origin: germline. Affected: yes.
Comment: Has not been previously published as pathogenic or benign to our knowledge; In silico analysis supports that this missense variant has a deleterious effect on protein structure/function; Although located in a calcium-binding EGF-like domain of the FBN2 gene, it does not substitute or introduce a cysteine residue (PMID: 19006240, 18767143); This variant is associated with the following publications: (PMID: 19006240, 18767143)

Women's Health and Genetics/Laboratory Corporation of America, LabCorp
Classification: Likely benign. Last evaluated: 2024-12-27. Review status: criteria provided, single submitter. Criteria: LabCorp Variant Classification Summary - May 2015. Collection method: clinical testing. Allele origin: germline.

NM_001999.4(FBN2):c.2480G>A (p.Arg827Gln)

Gene: FBN2 (fibrillin 2; minus strand). Cytogenetic location: 5q23.3.
Variant type: single nucleotide variant.
Coding change: c.2480G>A on transcript NM_001999.4 (MANE Select); coding-DNA position 2480, G replaced by A.
Protein change: p.Arg827Gln; replaces arginine 827 with glutamine.
Molecular consequence: missense variant.
Genome position (GRCh38, 1-based): chr5:128,361,797, C>T on the plus strand (G>A on the coding strand, the complement: FBN2 is on the minus strand). VCF-style: chr5-128361797-C-T. GRCh37 (hg19) VCF-style: chr5-127697490-C-T.
Other names: short protein forms R827Q.
Identifiers: ClinVar variation 213287 (VCV000213287.21), dbSNP rs150735582, ClinGen allele CA321897.